The following is an entry in ClinVar:

ClinVar aggregate classification (germline): Pathogenic. Review status: criteria provided, multiple submitters, no conflicts (2 of 4 stars). 3 submissions from 3 submitters: Pathogenic (3). Last evaluated 2024-06-04.

Conditions:
Intellectual disability, X-linked 102 (MRXSSB). Also called: Intellectual developmental disorder, X-linked syndromic, Snijders Blok type. Identifiers: Orphanet 457260, MedGen C5393299, MONDO:0010497, OMIM 300958.

Submissions (3):

Labcorp Genetics (formerly Invitae), Labcorp
Classification: Pathogenic. Last evaluated: 2024-06-04. Review status: criteria provided, single submitter. Criteria: Invitae Variant Classification Sherloc (09022015). Collection method: clinical testing. Allele origin: germline.
Comment: This sequence change creates a premature translational stop signal (p.Tyr576*) in the DDX3X gene. It is expected to result in an absent or disrupted protein product. Loss-of-function variants in DDX3X are known to be pathogenic (PMID: 26235985). This variant is not present in population databases (gnomAD no frequency). This premature translational stop signal has been observed in individual(s) with DDX3X syndrome (PMID: 32135084). ClinVar contains an entry for this variant (Variation ID: 992632). For these reasons, this variant has been classified as Pathogenic.

GeneDx
Classification: Pathogenic. Last evaluated: 2022-01-05. Review status: criteria provided, single submitter. Criteria: GeneDx Variant Classification Process June 2021. Collection method: clinical testing. Allele origin: germline. Affected: yes.
Comment: Nonsense variant predicted to result in protein truncation or nonsense mediated decay in a gene for which loss-of-function is a known mechanism of disease; Not observed at significant frequency in large population cohorts (gnomAD); This variant is associated with the following publications: (PMID: 32135084)

Service de Biochimie Médicale et Biologie Moléculaire, CHU Clermont-Ferrand
Classification: Pathogenic for Intellectual disability, X-linked 102. Last evaluated: 2020-04-24. Review status: criteria provided, single submitter. Criteria: ACMG Guidelines, 2015. Collection method: clinical testing. Allele origin: de novo. Inheritance: Sporadic. Affected: yes. Observed: 1 heterozygote.
Comment: PVS1+PS2+PM2

Literature cited by the submitters: PubMed 26235985 (cited by Labcorp Genetics (formerly Invitae), Labcorp); PubMed 32135084 (cited by Labcorp Genetics (formerly Invitae), Labcorp).

NM_001356.5(DDX3X):c.1728T>G (p.Tyr576Ter)

Gene: DDX3X (DEAD-box helicase 3 X-linked; plus strand). Cytogenetic location: Xp11.4.
Variant type: single nucleotide variant.
Coding change: c.1728T>G on transcript NM_001356.5 (MANE Select); coding-DNA position 1728, T replaced by G.
Protein change: p.Tyr576Ter; replaces tyrosine 576 with a stop codon.
Molecular consequence: nonsense. On other transcripts: non-coding transcript variant (1).
Genome position (GRCh38, 1-based): chrX:41,346,971, T>G. VCF-style: chrX-41346971-T-G. GRCh37 (hg19) VCF-style: chrX-41206224-T-G.
Other names: c.1728T>G, p.Tyr576Ter (NM_001193416.3); c.1680T>G, p.Tyr560Ter (NM_001193417.3); c.1170T>G, p.Tyr390Ter (NM_001363819.1); c.1728T>G (NM_001193416.1); short protein forms Y390*, Y560*, Y576*.
Identifiers: ClinVar variation 992632 (VCV000992632.6), dbSNP rs2063933550, ClinGen allele CA412777962.
Genomic context (GRCh38, chrX:41,346,971, plus strand): 5'-GTTGGATCTTCTTGTTGAAGCTAAACAAGAAGTGCCGTCTTGGTTAGAAAACATGGCTTA[T>G]GAACACCACTACAAGGGTAGCAGTCGTGGACGTTCTAAGAGGTGAGGTATAAATAGTATA-3'